The following is an entry in ClinVar:

NM_139057.4(ADAMTS17):c.*19G>A

Gene: ADAMTS17 (ADAM metallopeptidase with thrombospondin type 1 motif 17; minus strand). Cytogenetic location: 15q26.3.
Variant type: single nucleotide variant.
Coding change: c.*19G>A on transcript NM_139057.4 (MANE Select); 19 bases downstream of the stop codon, G replaced by A.
Molecular consequence: 3 prime UTR variant.
Genome position (GRCh38, 1-based): chr15:99,974,383, C>T on the plus strand (G>A on the coding strand, the complement: ADAMTS17 is on the minus strand). VCF-style: chr15-99974383-C-T. GRCh37 (hg19) VCF-style: chr15-100514588-C-T.
Identifiers: ClinVar variation 886445 (VCV000886445.5), dbSNP rs201992797, ClinGen allele CA7757388.
Genomic context (GRCh38, chr15:99,974,383, plus strand): 5'-GGCCACAAGGCTGGTAGGCTTGCGGGTGGGTGGGTTTCAGACCTGAGTCTGAGCTTTGAG[C>T]GACCCTTGGGACTGCGTGTCACGAGTTCGGCGGTGGCTGGCGCATCTTGTTTGCATAGAA-3'

ClinVar aggregate classification (germline): Likely benign. Review status: criteria provided, multiple submitters, no conflicts (2 of 4 stars). 2 submissions from 2 submitters: Likely benign (2). Last evaluated 2024-11-18.

Conditions:
Weill-Marchesani 4 syndrome, recessive. Also called: Weill-Marchesani syndrome 4. Identifiers: Orphanet 363992, MedGen C2750787, MONDO:0013176, OMIM 613195.

Allele frequency attached by ClinVar (database versions not stated): TOPMed 0.00014; ESP Exome Variant Server 0.00038; ExAC 0.00114; 1000 Genomes Project 30x 0.00125; 1000 Genomes Project 0.00160.

Submissions (2):

Blueprint Genetics
Classification: Likely benign. Last evaluated: 2024-11-18. Review status: criteria provided, single submitter. Criteria: ACMG Guidelines, 2015. Collection method: clinical testing. Allele origin: germline.

Illumina Laboratory Services, Illumina
Classification: Likely benign for Weill-Marchesani 4 syndrome, recessive. Last evaluated: 2018-01-12. Review status: criteria provided, single submitter. Criteria: ICSL Variant Classification Criteria 13 December 2019. Collection method: clinical testing. Allele origin: germline.
Comment: This variant was observed in the ICSL laboratory as part of a predisposition screen in an ostensibly healthy population. It had not been previously curated by ICSL or reported in the Human Gene Mutation Database (HGMD: prior to June 1st, 2018), and was therefore a candidate for classification through an automated scoring system. Utilizing variant allele frequency, disease prevalence and penetrance estimates, and inheritance mode, an automated score was calculated to assess if this variant is too frequent to cause the disease. Based on the score and internal cut-off values, a variant classified as likely benign is not then subjected to further curation. The score for this variant resulted in a classification of likely benign for this disease.